The following is an entry in ClinVar:

NM_004629.2(FANCG):c.1340A>G (p.Tyr447Cys)

Gene: FANCG (FA complementation group G; minus strand). Cytogenetic location: 9p13.3.
Variant type: single nucleotide variant.
Coding change: c.1340A>G on transcript NM_004629.2 (MANE Select); coding-DNA position 1340, A replaced by G.
Protein change: p.Tyr447Cys; replaces tyrosine 447 with cysteine.
Molecular consequence: missense variant.
Genome position (GRCh38, 1-based): chr9:35,075,558, T>C on the plus strand (A>G on the coding strand, the complement: FANCG is on the minus strand). VCF-style: chr9-35075558-T-C. GRCh37 (hg19) VCF-style: chr9-35075555-T-C.
Other names: short protein forms Y447C.
Identifiers: ClinVar variation 4254446 (VCV004254446.1).
Genomic context (GRCh38, chr9:35,075,558, plus strand): 5'-CCCAGTTGAACCCAGGCCTGGCCCTGAAGCAGGTGGGTGGCAGAGACCCAGAGTGGGCAG[T>C]ATGGCAGTTCCTTGGTTCCTTTTCTGGCATCTTCCCACAGCCGGGACATCTTGGGTAGCA-3'
Protein context (NP_004620.1, residues 437-457): DARKGTKELP[Tyr447Cys]CPLWVSATHL

ClinVar aggregate classification (germline): Uncertain significance (1 of 4 stars; one submission).

Conditions:
Inborn genetic diseases. Identifiers: MedGen C0950123, MeSH D030342.

gnomAD v4.1: 4 of 1,613,790 alleles (0.00025%); highest among the groups gnomAD compares: African/African-American, 0.0053%; no homozygotes.

Submission:

Ambry Genetics
Classification: Uncertain significance for Inborn genetic diseases. Last evaluated: 2025-07-17. Review status: criteria provided, single submitter. Criteria: Ambry Variant Classification Scheme 2023. Collection method: clinical testing. Allele origin: germline.
Comment: The p.Y447C variant (also known as c.1340A>G), located in coding exon 10 of the FANCG gene, results from an A to G substitution at nucleotide position 1340. The tyrosine at codon 447 is replaced by cysteine, an amino acid with highly dissimilar properties. This amino acid position is conserved. In addition, this alteration is predicted to be tolerated by in silico analysis. Based on the available evidence, the clinical significance of this variant remains unclear.